The following is an entry in ClinVar:

ClinVar aggregate classification (germline): Pathogenic (1 of 4 stars; one submission).

Conditions:
Rubinstein-Taybi syndrome due to EP300 haploinsufficiency. Also called: EP300-Related Rubinstein-Taybi Syndrome; RUBINSTEIN-TAYBI SYNDROME 2. Identifiers: Orphanet 353284, Orphanet 783, MedGen C3150941, MONDO:0013364, OMIM 613684.

Submission:

Labcorp Genetics (formerly Invitae), Labcorp
Classification: Pathogenic for Rubinstein-Taybi syndrome due to EP300 haploinsufficiency. Last evaluated: 2021-06-16. Review status: criteria provided, single submitter. Criteria: Invitae Variant Classification Sherloc (09022015). Collection method: clinical testing. Allele origin: germline.
Comment: For these reasons, this variant has been classified as Pathogenic. This variant has not been reported in the literature in individuals with EP300-related conditions. This variant is a gross deletion of the genomic region encompassing exon(s) 18-19 of the EP300 gene. This deletion is out-of-frame, and is expected to create a premature translational stop signal and result in an absent or disrupted protein product. Loss-of-function variants in EP300 are known to be pathogenic (PMID: 15706485, 24476420).

Literature cited by the submitters: PubMed 15706485; PubMed 24476420.

NC_000022.10:g.(?_41553153)_(41554524_?)del

Gene: EP300 (EP300 lysine acetyltransferase; plus strand). Cytogenetic location: 22q13.2.
Variant type: Deletion.
Identifiers: ClinVar variation 1459685 (VCV001459685.44).